The following is an entry in ClinVar:

ClinVar aggregate classification (germline): Uncertain significance (1 of 4 stars; one submission).

Conditions:
Peroxisome biogenesis disorder. Identifiers: Orphanet 79189, MedGen C1832200, MONDO:0019234. Disease mechanism: loss of function.

Submission:

Labcorp Genetics (formerly Invitae), Labcorp
Classification: Uncertain significance for Peroxisome biogenesis disorder. Last evaluated: 2025-01-23. Review status: criteria provided, single submitter. Criteria: Invitae Variant Classification Sherloc (09022015). Collection method: clinical testing. Allele origin: germline.
Comment: This sequence change falls in intron 10 of the PEX6 gene. It does not directly change the encoded amino acid sequence of the PEX6 protein. It affects a nucleotide within the consensus splice site. This variant is not present in population databases (gnomAD no frequency). This variant has not been reported in the literature in individuals affected with PEX6-related conditions. ClinVar contains an entry for this variant (Variation ID: 861030). Variants that disrupt the consensus splice site are a relatively common cause of aberrant splicing (PMID: 17576681, 9536098). Algorithms developed to predict the effect of sequence changes on RNA splicing suggest that this variant is not likely to affect RNA splicing. In summary, the available evidence is currently insufficient to determine the role of this variant in disease. Therefore, it has been classified as a Variant of Uncertain Significance.

Literature cited by the submitters: PubMed 17576681; PubMed 9536098.

NM_000287.4(PEX6):c.2094+4G>C

Gene: PEX6 (peroxisomal biogenesis factor 6; minus strand). Cytogenetic location: 6p21.1.
Variant type: single nucleotide variant.
Coding change: c.2094+4G>C on transcript NM_000287.4 (MANE Select); 4 bases into the intron after coding-DNA position 2094, G replaced by C.
Molecular consequence: intron variant. On other transcripts: non-coding transcript variant (1).
Genome position (GRCh38, 1-based): chr6:42,966,521, C>G on the plus strand (G>C on the coding strand, the complement: PEX6 is on the minus strand). VCF-style: chr6-42966521-C-G. GRCh37 (hg19) VCF-style: chr6-42934259-C-G.
Other names: c.1830+4G>C (NM_001316313.2).
Identifiers: ClinVar variation 861030 (VCV000861030.9), dbSNP rs943511270, ClinGen allele CA364152571.